The following is an entry in ClinVar:

ClinVar aggregate classification (germline): Uncertain significance (1 of 4 stars; one submission).

Submission:

Labcorp Genetics (formerly Invitae), Labcorp
Classification: Uncertain significance. Last evaluated: 2024-04-07. Review status: criteria provided, single submitter. Criteria: Invitae Variant Classification Sherloc (09022015). Collection method: clinical testing. Allele origin: germline.
Comment: This sequence change replaces valine, which is neutral and non-polar, with methionine, which is neutral and non-polar, at codon 339 of the HTRA1 protein (p.Val339Met). This variant is not present in population databases (gnomAD no frequency). This missense change has been observed in individual(s) with autosomal dominant HTRA1-related conditions (PMID: 36047879). Advanced modeling of protein sequence and biophysical properties (such as structural, functional, and spatial information, amino acid conservation, physicochemical variation, residue mobility, and thermodynamic stability) performed at Invitae indicates that this missense variant is expected to disrupt HTRA1 protein function with a positive predictive value of 80%. Experimental studies have shown that this missense change affects HTRA1 function (PMID: 36047879). In summary, the available evidence is currently insufficient to determine the role of this variant in disease. Therefore, it has been classified as a Variant of Uncertain Significance.

Literature cited by the submitters: PubMed 36047879.

NM_002775.5(HTRA1):c.1015G>A (p.Val339Met)

Gene: HTRA1 (HtrA serine peptidase 1; plus strand). Cytogenetic location: 10q26.13.
Variant type: single nucleotide variant.
Coding change: c.1015G>A on transcript NM_002775.5 (MANE Select); coding-DNA position 1015, G replaced by A.
Protein change: p.Val339Met; replaces valine 339 with methionine.
Molecular consequence: missense variant.
Genome position (GRCh38, 1-based): chr10:122,508,665, G>A. VCF-style: chr10-122508665-G-A. GRCh37 (hg19) VCF-style: chr10-124268181-G-A.
Other names: short protein forms V339M.
Identifiers: ClinVar variation 3648206 (VCV003648206.2).